The following is an entry in ClinVar:

ClinVar aggregate classification (germline): Uncertain significance (1 of 4 stars; one submission).

Conditions:
Hereditary breast ovarian cancer syndrome. Also called: Hereditary breast and ovarian cancer syndrome; Hereditary breast and ovarian cancer syndrome (HBOC); BRCA1- and BRCA2-Associated Hereditary Breast and Ovarian Cancer; Hereditary breast and ovarian cancer; Breast and ovarian cancer; Hereditary breast and/or ovarian cancer syndrome. Identifiers: Orphanet 145, MedGen C0677776, MeSH D061325, MONDO:0003582. Disease mechanism: loss of function.

Submission:

Labcorp Genetics (formerly Invitae), Labcorp
Classification: Uncertain significance for Hereditary breast ovarian cancer syndrome. Last evaluated: 2024-11-18. Review status: criteria provided, single submitter. Criteria: Invitae Variant Classification Sherloc (09022015). Collection method: clinical testing. Allele origin: germline.
Comment: This sequence change replaces lysine, which is basic and polar, with glutamic acid, which is acidic and polar, at codon 653 of the BRCA1 protein (p.Lys653Glu). This variant is not present in population databases (gnomAD no frequency). This variant has not been reported in the literature in individuals affected with BRCA1-related conditions. Invitae Evidence Modeling of protein sequence and biophysical properties (such as structural, functional, and spatial information, amino acid conservation, physicochemical variation, residue mobility, and thermodynamic stability) indicates that this missense variant is not expected to disrupt BRCA1 protein function with a negative predictive value of 80%. In summary, the available evidence is currently insufficient to determine the role of this variant in disease. Therefore, it has been classified as a Variant of Uncertain Significance.

NM_007294.4(BRCA1):c.1957A>G (p.Lys653Glu)

Gene: BRCA1 (BRCA1 DNA repair associated; minus strand). Cytogenetic location: 17q21.31.
Variant type: single nucleotide variant.
Coding change: c.1957A>G on transcript NM_007294.4 (MANE Select); coding-DNA position 1957, A replaced by G.
Protein change: p.Lys653Glu; replaces lysine 653 with glutamic acid.
Molecular consequence: missense variant. On other transcripts: intron variant (137).
Genome position (GRCh38, 1-based): chr17:43,093,574, T>C on the plus strand (A>G on the coding strand, the complement: BRCA1 is on the minus strand). VCF-style: chr17-43093574-T-C. GRCh37 (hg19) VCF-style: chr17-41245591-T-C.
Other names: c.1744A>G, p.Lys582Glu (NM_001407571.1, NM_001407853.1, NM_001407894.1 and 9 more transcripts); c.1957A>G, p.Lys653Glu (NM_001407581.1, NM_001407582.1, NM_001407585.1 and 30 more transcripts); c.646+1170A>G (NM_001408455.1, NM_001408458.1, NM_001408469.1 and 11 more transcripts); c.577+1170A>G (NM_001408513.1, NM_001408481.1, NM_001408480.1 and 9 more transcripts); c.1954A>G, p.Lys652Glu (NM_001407590.1, NM_001407591.1, NM_001407587.1 and 22 more transcripts); c.1948A>G, p.Lys650Glu (NM_001407646.1, NM_001407647.1); c.1834A>G, p.Lys612Glu (NM_001407648.1, NM_001407664.1, NM_001407665.1 and 19 more transcripts); c.1831A>G, p.Lys611Glu (NM_001407649.1, NM_001407670.1, NM_001407671.1 and 11 more transcripts); and 40 more; short protein forms K485E, K541E, K583E, K612E, K650E, K526E, K582E, K626E.
Identifiers: ClinVar variation 3634679 (VCV003634679.2).
Genomic context (GRCh38, chr17:43,093,574, plus strand): 5'-CTTTACCTTCCATGAGTTGTAGGTTTCTGCTGTGCCTGACTGGCATTTGGTTGTACTTTT[T>C]TTTCTTTATCTCTTCACTGCTAGAACAACTATCAATTTGCAATTCAGTACAATTAGGTGG-3'
Protein context (NP_009225.1, residues 643-663): SCSSSEEIKK[Lys653Glu]KYNQMPVRHS